The following is an entry in ClinVar:

ClinVar aggregate classification (germline): Uncertain significance. Review status: criteria provided, multiple submitters, no conflicts (2 of 4 stars). 2 submissions from 2 submitters: Uncertain significance (2). Last evaluated 2023-06-29.

Conditions:
Inborn genetic diseases. Identifiers: MedGen C0950123, MeSH D030342.
Primary immunodeficiency with post-measles-mumps-rubella vaccine viral infection. Also called: Immunodeficiency 44. Identifiers: Orphanet 431166, MedGen C4225260, MONDO:0014715, OMIM 616636.

Allele frequency attached by ClinVar (database versions not stated): gnomAD exomes below 0.00001 and 0.00004; gnomAD 0.00001; TOPMed 0.00001; ExAC 0.00002.
gnomAD v4.1: 8 of 1,614,066 alleles (0.0005%); highest among the groups gnomAD compares: East Asian, 0.018%; no homozygotes.

Submissions (2):

Ambry Genetics
Classification: Uncertain significance for Inborn genetic diseases. Last evaluated: 2023-06-29. Review status: criteria provided, single submitter. Criteria: Ambry Variant Classification Scheme 2023. Collection method: clinical testing. Allele origin: germline.

Labcorp Genetics (formerly Invitae), Labcorp
Classification: Uncertain significance for Primary immunodeficiency with post-measles-mumps-rubella vaccine viral infection. Last evaluated: 2020-08-30. Review status: criteria provided, single submitter. Criteria: Invitae Variant Classification Sherloc (09022015). Collection method: clinical testing. Allele origin: germline.
Comment: This sequence change replaces valine with methionine at codon 762 of the STAT2 protein (p.Val762Met). The valine residue is weakly conserved and there is a small physicochemical difference between valine and methionine. This variant is present in population databases (rs764242664, ExAC 0.03%). This variant has not been reported in the literature in individuals with STAT2-related conditions. Advanced modeling of protein sequence and biophysical properties (such as structural, functional, and spatial information, amino acid conservation, physicochemical variation, residue mobility, and thermodynamic stability) performed at Invitae indicates that this missense variant is not expected to disrupt STAT2 protein function. In summary, the available evidence is currently insufficient to determine the role of this variant in disease. Therefore, it has been classified as a Variant of Uncertain Significance.

NM_005419.4(STAT2):c.2284G>A (p.Val762Met)

Gene: STAT2 (signal transducer and activator of transcription 2; minus strand). Cytogenetic location: 12q13.3.
Variant type: single nucleotide variant.
Coding change: c.2284G>A on transcript NM_005419.4 (MANE Select); coding-DNA position 2284, G replaced by A.
Protein change: p.Val762Met; replaces valine 762 with methionine.
Molecular consequence: missense variant.
Genome position (GRCh38, 1-based): chr12:56,343,954, C>T on the plus strand (G>A on the coding strand, the complement: STAT2 is on the minus strand). VCF-style: chr12-56343954-C-T. GRCh37 (hg19) VCF-style: chr12-56737738-C-T.
Other names: c.2284G>A (NM_005419.3); c.2251G>A, p.Val751Met (NM_001385110.1); c.2185G>A, p.Val729Met (NM_001385111.1); c.2284G>A, p.Val762Met (NM_001385113.1); c.2263G>A, p.Val755Met (NM_001385114.1); c.2242G>A, p.Val748Met (NM_001385115.1); c.2272G>A, p.Val758Met (NM_198332.2); short protein forms V729M, V748M, V751M, V755M, V758M, V762M.
Identifiers: ClinVar variation 1000096 (VCV001000096.10), dbSNP rs764242664, ClinGen allele CA6630276.
Genomic context (GRCh38, chr12:56,343,954, plus strand): 5'-CAGGTCCTTGGTCTGGCTCTGGCACTGTTTGTGATACCATGCATAGTGTGGGCTCTATCA[C>T]AGGCTCCAGAGTGGACTCCAGCACAGACTCTAGCTCTGGCCCCAGATCCAGCCCTGCCTT-3'
Protein context (NP_005410.1, residues 752-772): ESVLESTLEP[Val762Met]IEPTLCMVSQ